The following is an entry in ClinVar:

ClinVar aggregate classification (germline): Likely benign. Review status: criteria provided, multiple submitters, no conflicts (2 of 4 stars). 5 submissions from 5 submitters: Likely benign (2). 3 of the submissions do not count toward it. Last evaluated 2026-08-01.

Conditions:
KIF1B-related disorder. Also called: KIF1B-related condition.

Allele frequency attached by ClinVar (database versions not stated): 1000 Genomes Project 30x 0.00016; 1000 Genomes Project 0.00020; ESP Exome Variant Server 0.00046; gnomAD 0.00050 and 0.00051; TOPMed 0.00057.
gnomAD v4.1: 810 of 1,614,018 alleles (0.05%); highest among the groups gnomAD compares: South Asian, 0.11%; 1 homozygote.

Submissions (5):

CeGaT Center for Human Genetics Tuebingen
Classification: Likely benign. Last evaluated: 2026-08-01. Review status: criteria provided, single submitter. Criteria: CeGaT Center For Human Genetics Tuebingen Variant Classification Criteria Version 2. Collection method: clinical testing. Allele origin: germline. Affected: yes. Observed: 8 variant alleles.
Comment: KIF1B: BP4, BP7

Blueprint Genetics
Classification: Likely benign. Last evaluated: 2024-08-26. Review status: criteria provided, single submitter. Criteria: ACMG Guidelines, 2015. Collection method: clinical testing. Allele origin: germline.

PreventionGenetics, part of Exact Sciences
Classification: Likely benign for KIF1B-related condition. Last evaluated: 2019-08-07. Review status: no assertion criteria provided. Collection method: clinical testing. Allele origin: germline. Not counted in ClinVar's aggregate classification.
Comment: This variant is classified as likely benign based on ACMG/AMP sequence variant interpretation guidelines (Richards et al. 2015 PMID: 25741868, with internal and published modifications).

Clinical Genetics DNA and cytogenetics Diagnostics Lab, Erasmus MC, Erasmus Medical Center
Classification: Likely benign. Review status: no assertion criteria provided. Collection method: clinical testing. Allele origin: germline. Affected: yes. Study: VKGL Data-share Consensus. Not counted in ClinVar's aggregate classification.

Clinical Genetics, Academic Medical Center
Classification: Likely benign. Review status: no assertion criteria provided. Collection method: clinical testing. Allele origin: germline. Affected: yes. Study: VKGL Data-share Consensus. Not counted in ClinVar's aggregate classification.

NM_001365951.3(KIF1B):c.2115+5958G>A

Gene: KIF1B (kinesin family member 1B; plus strand). Cytogenetic location: 1p36.22.
Variant type: single nucleotide variant.
Coding change: c.2115+5958G>A on transcript NM_001365951.3 (MANE Select); 5958 bases into the intron after coding-DNA position 2115, G replaced by A.
Molecular consequence: intron variant. On other transcripts: synonymous variant (2).
Genome position (GRCh38, 1-based): chr1:10,303,204, G>A. VCF-style: chr1-10303204-G-A. GRCh37 (hg19) VCF-style: chr1-10363262-G-A.
Other names: c.2019G>A (NM_183416.3); c.2019G>A, p.Ser673= (NM_001365953.1, NM_183416.4); c.1977+5958G>A (NM_015074.3); c.2115+5958G>A (NM_001365952.1).
Identifiers: ClinVar variation 1284656 (VCV001284656.29), dbSNP rs150181429, ClinGen allele CA581178.